The following is an entry in ClinVar:

ClinVar aggregate classification (germline): Pathogenic (1 of 4 stars; one submission).

Submission:

Labcorp Genetics (formerly Invitae), Labcorp
Classification: Pathogenic. Last evaluated: 2024-10-17. Review status: criteria provided, single submitter. Criteria: Invitae Variant Classification Sherloc (09022015). Collection method: clinical testing. Allele origin: germline.
Comment: This sequence change creates a premature translational stop signal (p.Cys674*) in the TNFAIP3 gene. It is expected to result in an absent or disrupted protein product. Loss-of-function variants in TNFAIP3 are known to be pathogenic (PMID: 26642243). This variant is not present in population databases (gnomAD no frequency). This variant has not been reported in the literature in individuals affected with TNFAIP3-related conditions. Algorithms developed to predict the effect of sequence changes on RNA splicing suggest that this variant may disrupt the consensus splice site. For these reasons, this variant has been classified as Pathogenic.

Literature cited by the submitters: PubMed 26642243.

NM_001270508.2(TNFAIP3):c.2022C>A (p.Cys674Ter)

Gene: TNFAIP3 (TNF alpha induced protein 3; plus strand). Cytogenetic location: 6q23.3.
Variant type: single nucleotide variant.
Coding change: c.2022C>A on transcript NM_001270508.2 (MANE Select); coding-DNA position 2022, C replaced by A.
Protein change: p.Cys674Ter; replaces cysteine 674 with a stop codon.
Molecular consequence: nonsense.
Genome position (GRCh38, 1-based): chr6:137,880,186, C>A. VCF-style: chr6-137880186-C-A. GRCh37 (hg19) VCF-style: chr6-138201323-C-A.
Other names: c.2022C>A, p.Cys674Ter (NM_006290.4, NM_001270507.2); short protein forms C674*.
Identifiers: ClinVar variation 3645206 (VCV003645206.2).